The following is an entry in ClinVar:

ClinVar aggregate classification (germline): Conflicting classifications of pathogenicity. Review status: criteria provided, conflicting classifications (1 of 4 stars). 5 submissions from 5 submitters: Pathogenic (1); Likely pathogenic (2); Uncertain significance (2). Last evaluated 2025-05-12.

Conditions:
PIGN-related disorder. Also called: PIGN-related condition.
Multiple congenital anomalies-hypotonia-seizures syndrome 1 (MCAHS1). Also called: PIGN-CDG; Congenital disorder of glycosylation due to PIGN deficiency; GLYCOSYLPHOSPHATIDYLINOSITOL BIOSYNTHESIS DEFECT 3. Identifiers: Orphanet 280633, MedGen C3279775, MONDO:0013563, OMIM 614080.

Allele frequency attached by ClinVar (database versions not stated): gnomAD exomes 0.00001 and 0.00004; TOPMed 0.00001.
gnomAD v4.1: 54 of 1,611,622 alleles (0.0034%); highest among the groups gnomAD compares: Non-Finnish European, 0.0046%; no homozygotes.

Submissions (5):

Women's Health and Genetics/Laboratory Corporation of America, LabCorp
Classification: Uncertain significance. Last evaluated: 2025-05-12. Review status: criteria provided, single submitter. Criteria: LabCorp Variant Classification Summary - May 2015. Collection method: clinical testing. Allele origin: germline.
Comment: Variant summary: PIGN c.2237T>G (p.Ile746Arg) results in a non-conservative amino acid change in the encoded protein sequence. Algorithms developed to predict the effect of missense changes on protein structure and function are either unavailable or do not agree on the potential impact of this missense change. The variant allele was found at a frequency of 1.2e-05 in 247508 control chromosomes. c.2237T>G has been observed in individuals affected with features of Multiple Congenital Anomalies-Hypotonia Syndrome 1 (e.g., Bayat_2022, Sidpra_2024). These data indicate that the variant may be associated with disease. To our knowledge, no experimental evidence demonstrating an impact on protein function has been reported. The following publications have been ascertained in the context of this evaluation (PMID: 35179230, 38456468). ClinVar contains an entry for this variant (Variation ID: 659307). Based on the evidence outlined above, the variant was classified as VUS-possibly pathogenic.

GeneDx
Classification: Likely pathogenic. Last evaluated: 2024-04-23. Review status: criteria provided, single submitter. Criteria: GeneDx Variant Classification Process June 2021. Collection method: clinical testing. Allele origin: germline. Affected: yes.
Comment: Not observed at significant frequency in large population cohorts (gnomAD); In silico analysis supports that this missense variant has a deleterious effect on protein structure/function; This variant is associated with the following publications: (PMID: 35701389, 35179230)

Baylor Genetics
Classification: Likely pathogenic for Multiple congenital anomalies-hypotonia-seizures syndrome 1. Last evaluated: 2023-07-12. Review status: criteria provided, single submitter. Criteria: ACMG Guidelines, 2015. Collection method: clinical testing. Allele origin: unknown.

Labcorp Genetics (formerly Invitae), Labcorp
Classification: Uncertain significance for Multiple congenital anomalies-hypotonia-seizures syndrome 1. Last evaluated: 2022-08-15. Review status: criteria provided, single submitter. Criteria: Invitae Variant Classification Sherloc (09022015). Collection method: clinical testing. Allele origin: germline.
Comment: This sequence change replaces isoleucine, which is neutral and non-polar, with arginine, which is basic and polar, at codon 746 of the PIGN protein (p.Ile746Arg). This variant is present in population databases (rs771266203, gnomAD 0.003%). This variant has not been reported in the literature in individuals affected with PIGN-related conditions. ClinVar contains an entry for this variant (Variation ID: 659307). Algorithms developed to predict the effect of missense changes on protein structure and function are either unavailable or do not agree on the potential impact of this missense change (SIFT: "Deleterious"; PolyPhen-2: "Possibly Damaging"; Align-GVGD: "Class C0"). Algorithms developed to predict the effect of sequence changes on RNA splicing suggest that this variant may create or strengthen a splice site. In summary, the available evidence is currently insufficient to determine the role of this variant in disease. Therefore, it has been classified as a Variant of Uncertain Significance.

Blueprint Genetics
Classification: Pathogenic for PIGN-related disorders. Last evaluated: 2022-07-13. Review status: criteria provided, single submitter. Criteria: ACMG Guidelines, 2015. Collection method: clinical testing. Allele origin: germline. Affected: yes. Observed: 5 variant alleles.

Literature cited by the submitters: PubMed 35179230 (cited by Women's Health and Genetics/Laboratory Corporation of America, LabCorp); PubMed 38456468 (cited by Women's Health and Genetics/Laboratory Corporation of America, LabCorp).

NM_176787.5(PIGN):c.2237T>G (p.Ile746Arg)

Gene: PIGN (phosphatidylinositol glycan anchor biosynthesis class N; minus strand). Cytogenetic location: 18q21.33.
Variant type: single nucleotide variant.
Coding change: c.2237T>G on transcript NM_176787.5 (MANE Select); coding-DNA position 2237, T replaced by G.
Protein change: p.Ile746Arg; replaces isoleucine 746 with arginine.
Molecular consequence: missense variant.
Genome position (GRCh38, 1-based): chr18:62,090,522, A>C on the plus strand (T>G on the coding strand, the complement: PIGN is on the minus strand). VCF-style: chr18-62090522-A-C. GRCh37 (hg19) VCF-style: chr18-59757755-A-C.
Other names: c.2237T>G, p.Ile746Arg (NM_012327.6); short protein forms I746R.
Identifiers: ClinVar variation 659307 (VCV000659307.11), dbSNP rs771266203, ClinGen allele CA8982034.
Genomic context (GRCh38, chr18:62,090,522, plus strand): 5'-CTTTGACCAGCTACCTTTTGTTTACAGCAAACACCAGATTGTTGTAGAGTTTCTTGTTCT[A>C]TGTTTATCCAGACAAACATCAAACAAGACAACACTAGTGGAAAGAGAGCTTCATACCTAA-3'
Protein context (NP_789744.1, residues 736-756): LSCLMFVWIN[Ile746Arg]EQETLQQSGV